The following is an entry in ClinVar:

NM_001394998.1(TANC2):c.4357G>A (p.Glu1453Lys)

Gene: TANC2 (tetratricopeptide repeat, ankyrin repeat and coiled-coil containing 2; plus strand). Cytogenetic location: 17q23.3.
Variant type: single nucleotide variant.
Coding change: c.4357G>A on transcript NM_001394998.1 (MANE Select); coding-DNA position 4357, G replaced by A.
Protein change: p.Glu1453Lys; replaces glutamic acid 1453 with lysine.
Molecular consequence: missense variant.
Genome position (GRCh38, 1-based): chr17:63,420,087, G>A. VCF-style: chr17-63420087-G-A. GRCh37 (hg19) VCF-style: chr17-61497448-G-A.
Other names: c.4135G>A, p.Glu1379Lys (NM_001411076.1); c.4105G>A, p.Glu1369Lys (NM_025185.4); short protein forms E1369K, E1379K, E1453K.
Identifiers: ClinVar variation 2395308 (VCV002395308.27), dbSNP rs372679973, ClinGen allele CA8698229.

ClinVar aggregate classification (germline): Likely benign. Review status: criteria provided, multiple submitters, no conflicts (2 of 4 stars). 3 submissions from 3 submitters: Likely benign (2). 1 of the submissions does not count toward it. Last evaluated 2026-08-01.

Conditions:
TANC2-related disorder. Also called: TANC2-related condition.
Inborn genetic diseases. Identifiers: MedGen C0950123, MeSH D030342.

Allele frequency attached by ClinVar (database versions not stated): ESP Exome Variant Server 0.00048; ExAC 0.00054; gnomAD 0.00068; TOPMed 0.00070.
gnomAD v4.1: 2,022 of 1,552,096 alleles (0.13%); highest among the groups gnomAD compares: Non-Finnish European, 0.17%; 4 homozygotes.

Submissions (3):

CeGaT Center for Human Genetics Tuebingen
Classification: Likely benign. Last evaluated: 2026-08-01. Review status: criteria provided, single submitter. Criteria: CeGaT Center For Human Genetics Tuebingen Variant Classification Criteria Version 2. Collection method: clinical testing. Allele origin: germline. Affected: yes. Observed: 10 variant alleles.
Comment: TANC2: BS1

Ambry Genetics
Classification: Likely benign for Inborn genetic diseases. Last evaluated: 2022-06-24. Review status: criteria provided, single submitter. Criteria: Ambry Variant Classification Scheme 2023. Collection method: clinical testing. Allele origin: germline.

PreventionGenetics, part of Exact Sciences
Classification: Likely benign for TANC2-related condition. Last evaluated: 2022-04-21. Review status: no assertion criteria provided. Collection method: clinical testing. Allele origin: germline. Not counted in ClinVar's aggregate classification.
Comment: This variant is classified as likely benign based on ACMG/AMP sequence variant interpretation guidelines (Richards et al. 2015 PMID: 25741868, with internal and published modifications).